The following is an entry in ClinVar:

GRCh38/hg38 16p13.11(chr16:14998921-16212706)x3

Genes: ABCC1 (ATP binding cassette subfamily C member 1 (ABCC1 blood group); plus strand), ABCC6 (ATP binding cassette subfamily C member 6; minus strand), BMERB1 (bMERB domain containing 1; plus strand), CEP20 (centrosomal protein 20; minus strand), MARF1 (meiosis regulator and mRNA stability factor 1; minus strand) and 31 more. Cytogenetic location: 16p13.11.
Variant type: copy number gain.
Change: copy number 3 (three copies instead of two) of chr16:14,998,921-16,212,706 (1.21 Mb, GRCh38 coordinates, 1-based), cytogenetic band 16p13.11.
Identifiers: ClinVar variation 5038295 (VCV005038295.1).

ClinVar aggregate classification (germline): Likely pathogenic (1 of 4 stars; one submission).

Submission:

Clinical Genomics Laboratory, Laboratory for Precision Diagnostics, University of Washington
Classification: Likely pathogenic. Last evaluated: 2025-05-21. Review status: criteria provided, single submitter. Criteria: ACMG/ClinGen CNV Guidelines, 2019. Collection method: clinical testing. Allele origin: unknown. Affected: yes. Observed: 1 variant allele.
Comment: This duplication as detected by our microarray platform is approximately 1.2 MB in size and and encompasses a portion or all of 12 protein-coding genes, including NDE1 and MYH11. It fully encompasses the recurrent microduplication of 16p13.11 between BP2 and BP3.

Literature cited by the submitters: PubMed 30287593; PubMed 36724812; PubMed 30767844.